The following is an entry in ClinVar:

NM_003073.5(SMARCB1):c.463C>T (p.Arg155Cys)

Gene: SMARCB1 (SWI/SNF related BAF chromatin remodeling complex subunit B1; plus strand). Cytogenetic location: 22q11.23.
Variant type: single nucleotide variant.
Coding change: c.463C>T on transcript NM_003073.5 (MANE Select); coding-DNA position 463, C replaced by T.
Protein change: p.Arg155Cys; replaces arginine 155 with cysteine.
Molecular consequence: missense variant.
Genome position (GRCh38, 1-based): chr22:23,801,044, C>T. VCF-style: chr22-23801044-C-T. GRCh37 (hg19) VCF-style: chr22-24143231-C-T.
Other names: c.436C>T, p.Arg146Cys (NM_001007468.3, NM_001317946.2); c.463C>T, p.Arg155Cys (NM_001362877.2); short protein forms R146C, R155C.
Identifiers: ClinVar variation 835144 (VCV000835144.10), dbSNP rs1458920579, ClinGen allele CA410934512.

ClinVar aggregate classification (germline): Uncertain significance. Review status: criteria provided, multiple submitters, no conflicts (2 of 4 stars). 2 submissions from 2 submitters: Uncertain significance (2). Last evaluated 2026-02-03.

Conditions:
Hereditary cancer-predisposing syndrome. Also called: Hereditary Cancer Syndrome; Tumor predisposition; Neoplastic Syndromes, Hereditary; Hereditary neoplastic syndrome. Identifiers: Orphanet 140162, MedGen C0027672, MeSH D009386, MONDO:0015356.

Allele frequency attached by ClinVar (database versions not stated): gnomAD exomes below 0.00001; gnomAD 0.00001.
gnomAD v4.1: 3 of 1,614,052 alleles (0.00019%); highest among the groups gnomAD compares: African/African-American, 0.0013%; no homozygotes.

Submissions (2):

Ambry Genetics
Classification: Uncertain significance for Hereditary cancer-predisposing syndrome. Last evaluated: 2026-02-03. Review status: criteria provided, single submitter. Criteria: Ambry Variant Classification Scheme 2023. Collection method: clinical testing. Allele origin: germline.
Comment: The p.R155C variant (also known as c.463C>T), located in coding exon 4 of the SMARCB1 gene, results from a C to T substitution at nucleotide position 463. The arginine at codon 155 is replaced by cysteine, an amino acid with highly dissimilar properties. This variant was reported in individual(s) with features consistent with SMARCB1-related tumor predisposition (Gr&ouml;bner SN et al. Nature, 2018 Mar;555:321-327). This amino acid position is highly conserved in available vertebrate species. In addition, this alteration is predicted to be deleterious by in silico analysis. Based on the available evidence, the clinical significance of this variant remains unclear.

Labcorp Genetics (formerly Invitae), Labcorp
Classification: Uncertain significance. Last evaluated: 2019-12-15. Review status: criteria provided, single submitter. Criteria: Invitae Variant Classification Sherloc (09022015). Collection method: clinical testing. Allele origin: germline.
Comment: Algorithms developed to predict the effect of missense changes on protein structure and function (SIFT, PolyPhen-2, Align-GVGD) all suggest that this variant is likely to be disruptive, but these predictions have not been confirmed by published functional studies and their clinical significance is uncertain. In summary, the available evidence is currently insufficient to determine the role of this variant in disease. Therefore, it has been classified as a Variant of Uncertain Significance. This variant has not been reported in the literature in individuals with SMARCB1-related conditions. This variant is not present in population databases (ExAC no frequency). This sequence change replaces arginine with cysteine at codon 155 of the SMARCB1 protein (p.Arg155Cys). The arginine residue is highly conserved and there is a large physicochemical difference between arginine and cysteine.

Literature cited by the submitters: PubMed 29489754 (cited by Ambry Genetics).